The following is an entry in ClinVar:

ClinVar aggregate classification (germline): Uncertain significance (1 of 4 stars; one submission).

Submission:

ISCA site 14
Classification: Uncertain significance. Last evaluated: 2011-08-12. Review status: criteria provided, single submitter. Criteria: Kaminsky et al. (Genet Med. 2011). Collection method: clinical testing. Allele origin: paternal. Affected: yes. Observed: 1 variant allele.
Comment: Copy number variation identified through the course of routine clinical cytogenomic testing in postnatal populations. Clinical assertions have been curated as described in Kaminsky et al. 2011.

GRCh38/hg38 17p11.2-11.1(chr17:22156481-22706494)x1

Genes: FAM27E5 (family with sequence similarity E5; plus strand), FLJ36000 (uncharacterized FLJ36000; plus strand), LINC02002 (long intergenic non-protein coding RNA 2002; minus strand), MTRNR2L1 (MT-RNR2 like 1; plus strand), LOC105371597 (uncharacterized LOC105371597; plus strand) and 1 more. Cytogenetic location: 17p11.2-11.1.
Variant type: copy number loss.
Change: copy number 1 (one copy instead of two) of chr17:22,156,481-22,706,494 (550.0 kb, GRCh38 coordinates, 1-based), cytogenetic band 17p11.2-11.1.
Identifiers: ClinVar variation 58296 (VCV000058296.1).